The following is an entry in ClinVar:

ClinVar aggregate classification (germline): Uncertain significance. Review status: criteria provided, multiple submitters, no conflicts (2 of 4 stars). 2 submissions from 2 submitters: Uncertain significance (2). Last evaluated 2024-04-04.

Conditions:
Kleefstra syndrome 1 (KLEFS1). Identifiers: Orphanet 261494, MedGen C0795833, MONDO:0027407, OMIM 610253.

Allele frequency attached by ClinVar (database versions not stated): gnomAD exomes below 0.00001; ExAC 0.00001.
gnomAD v4.1: 1 of 1,613,062 alleles (0.000062%); highest among the groups gnomAD compares: Non-Finnish European, 0.000085%; no homozygotes.

Submissions (2):

Fulgent Genetics
Classification: Uncertain significance for Kleefstra syndrome 1. Last evaluated: 2024-04-04. Review status: criteria provided, single submitter. Criteria: ACMG Guidelines, 2015. Collection method: clinical testing. Allele origin: germline.

Labcorp Genetics (formerly Invitae), Labcorp
Classification: Uncertain significance for Kleefstra syndrome 1. Last evaluated: 2023-07-27. Review status: criteria provided, single submitter. Criteria: Invitae Variant Classification Sherloc (09022015). Collection method: clinical testing. Allele origin: germline.
Comment: In summary, the available evidence is currently insufficient to determine the role of this variant in disease. Therefore, it has been classified as a Variant of Uncertain Significance. An algorithm developed to predict the effect of missense changes on protein structure and function (PolyPhen-2) suggests that this variant is likely to be disruptive. This variant has not been reported in the literature in individuals affected with EHMT1-related conditions. This variant is present in population databases (rs746186916, gnomAD 0.0009%). This sequence change replaces asparagine, which is neutral and polar, with serine, which is neutral and polar, at codon 123 of the EHMT1 protein (p.Asn123Ser).

NM_024757.5(EHMT1):c.368A>G (p.Asn123Ser)

Gene: EHMT1 (euchromatic histone lysine methyltransferase 1; plus strand). Cytogenetic location: 9q34.3.
Variant type: single nucleotide variant.
Coding change: c.368A>G on transcript NM_024757.5 (MANE Select); coding-DNA position 368, A replaced by G.
Protein change: p.Asn123Ser; replaces asparagine 123 with serine.
Molecular consequence: missense variant.
Genome position (GRCh38, 1-based): chr9:137,716,908, A>G. VCF-style: chr9-137716908-A-G. GRCh37 (hg19) VCF-style: chr9-140611360-A-G.
Other names: c.368A>G, p.Asn123Ser (NM_001145527.2, NM_001354263.2, NM_001354611.2); c.275A>G, p.Asn92Ser (NM_001354259.2, NM_001354612.2); short protein forms N123S, N92S.
Identifiers: ClinVar variation 2745339 (VCV002745339.4), dbSNP rs746186916, ClinGen allele CA5374284.